The following is an entry in ClinVar:

NM_020163.3(SEMA3G):c.208C>T (p.Leu70Phe)

Gene: SEMA3G (semaphorin 3G; minus strand). Cytogenetic location: 3p21.1.
Variant type: single nucleotide variant.
Coding change: c.208C>T on transcript NM_020163.3 (MANE Select); coding-DNA position 208, C replaced by T.
Protein change: p.Leu70Phe; replaces leucine 70 with phenylalanine.
Molecular consequence: missense variant.
Genome position (GRCh38, 1-based): chr3:52,442,815, G>A on the plus strand (C>T on the coding strand, the complement: SEMA3G is on the minus strand). VCF-style: chr3-52442815-G-A. GRCh37 (hg19) VCF-style: chr3-52476831-G-A.
Other names: short protein forms L70F.
Identifiers: ClinVar variation 4995044 (VCV004995044.1).
Genomic context (GRCh38, chr3:52,442,815, plus strand): 5'-GATCTGGCCATGCCTGGTCCAGCCGCAGAGAGTAGAGGGCGTCCAGGCCACCCAGAAAGA[G>A]GCGGTCTCGGTACTCATCTAGGTACATGGCCTGGAGGTTCAGGGAGCCCTGGGGGCCCAG-3'
Protein context (NP_064548.1, residues 60-80): AMYLDEYRDR[Leu70Phe]FLGGLDALYS

ClinVar aggregate classification (germline): Uncertain significance (1 of 4 stars; one submission).

Conditions:
SEMA3G-related disorder. Also called: SEMA3G-related condition.

Submission:

PreventionGenetics, part of Exact Sciences
Classification: Uncertain significance for SEMA3G-related condition. Last evaluated: 2025-10-29. Review status: criteria provided, single submitter. Criteria: ACMG Guidelines, 2015. Collection method: clinical testing. Allele origin: germline.
Comment: The SEMA3G c.208C>T variant is predicted to result in the amino acid substitution p.Leu70Phe. To our knowledge, this variant has not been reported in the literature or in a large population database (gnomAD), indicating this variant is rare. At this time, the clinical significance of this variant is uncertain due to the absence of conclusive functional and genetic evidence.